The following is an entry in ClinVar:

NM_024675.4(PALB2):c.341G>A (p.Gly114Glu)

Gene: PALB2 (partner and localizer of BRCA2; minus strand). Cytogenetic location: 16p12.2.
Variant type: single nucleotide variant.
Coding change: c.341G>A on transcript NM_024675.4 (MANE Select); coding-DNA position 341, G replaced by A.
Protein change: p.Gly114Glu; replaces glycine 114 with glutamic acid.
Molecular consequence: missense variant.
Genome position (GRCh38, 1-based): chr16:23,636,205, C>T on the plus strand (G>A on the coding strand, the complement: PALB2 is on the minus strand). VCF-style: chr16-23636205-C-T. GRCh37 (hg19) VCF-style: chr16-23647526-C-T.
Other names: short protein forms G114E.
Identifiers: ClinVar variation 630067 (VCV000630067.10), dbSNP rs1567223045, ClinGen allele CA395137738.

ClinVar aggregate classification (germline): Conflicting classifications of pathogenicity. Review status: criteria provided, conflicting classifications (1 of 4 stars). 3 submissions from 3 submitters: Uncertain significance (2); Likely benign (1). Last evaluated 2024-04-22.

Conditions:
Familial cancer of breast. Also called: BREAST CANCER, FAMILIAL; Hereditary breast cancer; hereditary breast carcinoma. Identifiers: Orphanet 227535, MedGen C0346153, MONDO:0016419, OMIM 114480. Disease mechanism: loss of function.
Hereditary cancer-predisposing syndrome. Also called: Neoplastic Syndromes, Hereditary; Tumor predisposition; Hereditary neoplastic syndrome; Hereditary Cancer Syndrome. Identifiers: Orphanet 140162, MedGen C0027672, MeSH D009386, MONDO:0015356.

Allele frequency attached by ClinVar (database versions not stated): gnomAD exomes below 0.00001.
gnomAD v4.1: 1 of 1,613,466 alleles (0.000062%); highest among the groups gnomAD compares: Non-Finnish European, 0.000085%; no homozygotes.

Submissions (3):

Labcorp Genetics (formerly Invitae), Labcorp
Classification: Uncertain significance for Familial cancer of breast. Last evaluated: 2024-04-22. Review status: criteria provided, single submitter. Criteria: Invitae Variant Classification Sherloc (09022015). Collection method: clinical testing. Allele origin: germline.
Comment: This sequence change replaces glycine, which is neutral and non-polar, with glutamic acid, which is acidic and polar, at codon 114 of the PALB2 protein (p.Gly114Glu). This variant is not present in population databases (gnomAD no frequency). This variant has not been reported in the literature in individuals affected with PALB2-related conditions. ClinVar contains an entry for this variant (Variation ID: 630067). Algorithms developed to predict the effect of missense changes on protein structure and function output the following: SIFT: "Not Available"; PolyPhen-2: "Benign"; Align-GVGD: "Not Available". The glutamic acid amino acid residue is found in multiple mammalian species, which suggests that this missense change does not adversely affect protein function. In summary, the available evidence is currently insufficient to determine the role of this variant in disease. Therefore, it has been classified as a Variant of Uncertain Significance.

Color Diagnostics, LLC DBA Color Health
Classification: Uncertain significance for Hereditary cancer-predisposing syndrome. Last evaluated: 2023-12-05. Review status: criteria provided, single submitter. Criteria: ACMG Guidelines, 2015. Collection method: clinical testing. Allele origin: germline.
Comment: This missense variant replaces glycine with glutamic acid at codon 114 of the PALB2 protein. Computational prediction suggests that this variant may not impact protein structure and function (internally defined REVEL score threshold <= 0.5, PMID: 27666373). To our knowledge, functional studies have not been reported for this variant. This variant has not been reported in individuals affected with PALB2-related disorders in the literature. This variant has not been identified in the general population by the Genome Aggregation Database (gnomAD). The available evidence is insufficient to determine the role of this variant in disease conclusively. Therefore, this variant is classified as a Variant of Uncertain Significance.

Ambry Genetics
Classification: Likely benign for Hereditary cancer-predisposing syndrome. Last evaluated: 2022-12-12. Review status: criteria provided, single submitter. Criteria: Ambry Variant Classification Scheme 2023. Collection method: clinical testing. Allele origin: germline.